The following is an entry in ClinVar:

ClinVar aggregate classification (germline): Uncertain significance (1 of 4 stars; one submission).

Allele frequency attached by ClinVar (database versions not stated): TOPMed 0.00001; ExAC 0.00002; gnomAD exomes 0.00002.
gnomAD v4.1: 30 of 1,614,128 alleles (0.0019%); highest among the groups gnomAD compares: Non-Finnish European, 0.0025%; no homozygotes.

Submission:

Labcorp Genetics (formerly Invitae), Labcorp
Classification: Uncertain significance. Last evaluated: 2025-01-20. Review status: criteria provided, single submitter. Criteria: Invitae Variant Classification Sherloc (09022015). Collection method: clinical testing. Allele origin: germline.
Comment: This sequence change replaces proline, which is neutral and non-polar, with histidine, which is basic and polar, at codon 691 of the NSUN2 protein (p.Pro691His). This variant is present in population databases (rs755083313, gnomAD 0.003%). This variant has not been reported in the literature in individuals affected with NSUN2-related conditions. ClinVar contains an entry for this variant (Variation ID: 2958025). Invitae Evidence Modeling of protein sequence and biophysical properties (such as structural, functional, and spatial information, amino acid conservation, physicochemical variation, residue mobility, and thermodynamic stability) indicates that this missense variant is expected to disrupt NSUN2 protein function with a positive predictive value of 80%. In summary, the available evidence is currently insufficient to determine the role of this variant in disease. Therefore, it has been classified as a Variant of Uncertain Significance.

NM_017755.6(NSUN2):c.2072C>A (p.Pro691His)

Gene: NSUN2 (NOP2/Sun RNA methyltransferase 2; minus strand). Cytogenetic location: 5p15.31.
Variant type: single nucleotide variant.
Coding change: c.2072C>A on transcript NM_017755.6 (MANE Select); coding-DNA position 2072, C replaced by A.
Protein change: p.Pro691His; replaces proline 691 with histidine.
Molecular consequence: missense variant. On other transcripts: non-coding transcript variant (1).
Genome position (GRCh38, 1-based): chr5:6,600,158, G>T on the plus strand (C>A on the coding strand, the complement: NSUN2 is on the minus strand). VCF-style: chr5-6600158-G-T. GRCh37 (hg19) VCF-style: chr5-6600271-G-T.
Other names: c.1967C>A, p.Pro656His (NM_001193455.2); short protein forms P691H, P656H.
Identifiers: ClinVar variation 2958025 (VCV002958025.3), dbSNP rs755083313, ClinGen allele CA3192190.